The following is an entry in ClinVar:

NM_015354.3(NUP188):c.5025G>C (p.Val1675=)

Gene: NUP188 (nucleoporin 188; plus strand). Cytogenetic location: 9q34.11.
Variant type: single nucleotide variant.
Coding change: c.5025G>C on transcript NM_015354.3 (MANE Select); coding-DNA position 5025, G replaced by C.
Protein change: p.Val1675=; no amino-acid change (valine 1675 retained).
Molecular consequence: synonymous variant.
Genome position (GRCh38, 1-based): chr9:129,006,320, G>C. VCF-style: chr9-129006320-G-C. GRCh37 (hg19) VCF-style: chr9-131768599-G-C.
Identifiers: ClinVar variation 756339 (VCV000756339.4), dbSNP rs757545380, ClinGen allele CA5273539.

ClinVar aggregate classification (germline): Likely benign. Review status: criteria provided, multiple submitters, no conflicts (2 of 4 stars). 2 submissions from 2 submitters: Likely benign (2). Last evaluated 2026-08-01.

Allele frequency attached by ClinVar (database versions not stated): gnomAD 0.00001; TOPMed 0.00003; gnomAD exomes 0.00004 and 0.00009; ExAC 0.00010.
gnomAD v4.1: 23 of 1,614,070 alleles (0.0014%); highest among the groups gnomAD compares: Admixed American, 0.038%; no homozygotes.

Submissions (2):

CeGaT Center for Human Genetics Tuebingen
Classification: Likely benign. Last evaluated: 2026-08-01. Review status: criteria provided, single submitter. Criteria: CeGaT Center For Human Genetics Tuebingen Variant Classification Criteria Version 2. Collection method: clinical testing. Allele origin: germline. Affected: yes. Observed: 1 variant allele.
Comment: NUP188: BP4, BP7

Labcorp Genetics (formerly Invitae), Labcorp
Classification: Likely benign. Last evaluated: 2018-05-25. Review status: criteria provided, single submitter. Criteria: Invitae Variant Classification Sherloc (09022015). Collection method: clinical testing. Allele origin: germline.